The following is an entry in ClinVar:

NM_001377229.1(DISP1):c.2143A>G (p.Ile715Val)

Gene: DISP1 (dispatched RND transporter family member 1; plus strand). Cytogenetic location: 1q41.
Variant type: single nucleotide variant.
Coding change: c.2143A>G on transcript NM_001377229.1 (MANE Select); coding-DNA position 2143, A replaced by G.
Protein change: p.Ile715Val; replaces isoleucine 715 with valine.
Molecular consequence: missense variant.
Genome position (GRCh38, 1-based): chr1:223,003,540, A>G. VCF-style: chr1-223003540-A-G. GRCh37 (hg19) VCF-style: chr1-223176882-A-G.
Other names: c.1414A>G, p.Ile472Val (NM_001350630.2); c.2143A>G, p.Ile715Val (NM_001369594.1, NM_001377228.1, NM_032890.5); short protein forms I472V, I715V.
Identifiers: ClinVar variation 4806798 (VCV004806798.1).

ClinVar aggregate classification (germline): Uncertain significance (1 of 4 stars; one submission).

Submission:

Labcorp Genetics (formerly Invitae), Labcorp
Classification: Uncertain significance. Last evaluated: 2025-07-16. Review status: criteria provided, single submitter. Criteria: Invitae Variant Classification Sherloc (09022015). Collection method: clinical testing. Allele origin: germline.
Comment: This sequence change replaces isoleucine, which is neutral and non-polar, with valine, which is neutral and non-polar, at codon 715 of the DISP1 protein (p.Ile715Val). This variant is not present in population databases (gnomAD no frequency). This variant has not been reported in the literature in individuals affected with DISP1-related conditions. An algorithm developed to predict the effect of missense changes on protein structure and function (PolyPhen-2) suggests that this variant is likely to be tolerated. In summary, the available evidence is currently insufficient to determine the role of this variant in disease. Therefore, it has been classified as a Variant of Uncertain Significance.